The following is an entry in ClinVar:

ClinVar aggregate classification (germline): Conflicting classifications of pathogenicity. Review status: criteria provided, conflicting classifications (1 of 4 stars). 12 submissions from 12 submitters: Uncertain significance (1); Benign (5); Likely benign (4). 2 of the submissions do not count toward it. Last evaluated 2026-01-21.

Conditions:
Monogenic diabetes. Identifiers: Orphanet 183625, MedGen C3888631, MONDO:0015967.

Allele frequency attached by ClinVar (database versions not stated): ExAC 0.00108; ESP Exome Variant Server 0.00246; gnomAD 0.00257 and 0.00279; TOPMed 0.00277; 1000 Genomes Project 0.00319; 1000 Genomes Project 30x 0.00390.
gnomAD v4.1: 794 of 1,608,038 alleles (0.049%); highest among the groups gnomAD compares: African/African-American, 0.9%; no homozygotes.

Submissions (12):

Labcorp Genetics (formerly Invitae), Labcorp
Classification: Benign. Last evaluated: 2026-01-21. Review status: criteria provided, single submitter. Criteria: Invitae Variant Classification Sherloc (09022015). Collection method: clinical testing. Allele origin: germline.

Blueprint Genetics
Classification: Likely benign. Last evaluated: 2024-11-22. Review status: criteria provided, single submitter. Criteria: ACMG Guidelines, 2015. Collection method: clinical testing. Allele origin: germline.

GeneDx
Classification: Likely benign. Last evaluated: 2021-07-07. Review status: criteria provided, single submitter. Criteria: GeneDx Variant Classification Process June 2021. Collection method: clinical testing. Allele origin: germline. Affected: yes.
Comment: This variant is associated with the following publications: (PMID: 26435059, 27068579)

Athena Diagnostics
Classification: Likely benign. Last evaluated: 2019-08-05. Review status: criteria provided, single submitter. Criteria: Athena Diagnostics Criteria. Collection method: clinical testing. Allele origin: germline.

CeGaT Center for Human Genetics Tuebingen
Classification: Uncertain significance. Last evaluated: 2019-08-01. Review status: criteria provided, single submitter. Criteria: CeGaT Center For Human Genetics Tuebingen Variant Classification Criteria Version 2. Collection method: clinical testing. Allele origin: germline. Affected: yes. Observed: 1 variant allele.

Personalized Diabetes Medicine Program, University of Maryland School of Medicine
Classification: Benign for Monogenic diabetes. Last evaluated: 2018-09-07. Review status: criteria provided, single submitter. Criteria: ACMG Guidelines, 2015. Collection method: research. Allele origin: unknown. Observed: 3 variant alleles, 3 heterozygotes.
Comment: ACMG criteria: PP3 (REVEL 0.801 + 10 predictors), BA1(0.9% MAF in gnomAD Africans when prevalence of Wolfram is 1:500000 which leads to carrier frequency of ~1:350/0.3%)=Benign

ARUP Laboratories, Molecular Genetics and Genomics, ARUP Laboratories
Classification: Likely benign. Last evaluated: 2018-05-26. Review status: criteria provided, single submitter. Criteria: ARUP Molecular Germline Variant Investigation Process. Collection method: clinical testing. Allele origin: germline.
Comment: The WFS1 c.353A>C; p.Asp118Ala variant (rs71524349), is reported in the literature in an individual with prelingual nonsyndromic hearing loss (Sommen 2016); however, inheritance and specific clinical information were not reported for this individual. This variant is found in the African population with an allele frequency of 0.90% (203/22,568 alleles) in the Genome Aggregation Database and is reported as benign/likely benign in ClinVar (Variation ID: 178584). Based on the available information, this variant is classified as likely benign.

Eurofins Ntd Llc (ga)
Classification: Benign. Last evaluated: 2014-08-26. Review status: criteria provided, single submitter. Criteria: EGL Classification Definitions 2015. Collection method: clinical testing. Allele origin: germline. Observed: 1 variant allele, 1 heterozygote.

Laboratory for Molecular Medicine, Mass General Brigham Personalized Medicine
Classification: Benign. Last evaluated: 2012-04-30. Review status: criteria provided, single submitter. Criteria: LMM Criteria. Collection method: clinical testing. Allele origin: germline. Observed: 3 variant alleles.
Comment: Asp118Ala in Exon 04 of WFS1: This variant is not expected to have clinical sign ificance because it has been identified in 0.8% (28/3732) of African American ch romosomes from a broad population by the NHLBI Exome Sequencing Project (dbSNP rs71524349).

PreventionGenetics, part of Exact Sciences
Classification: Benign. Review status: criteria provided, single submitter. Criteria: ACMG Guidelines, 2015. Collection method: clinical testing. Allele origin: germline.

Clinical Genetics, Academic Medical Center
Classification: Benign. Review status: no assertion criteria provided. Collection method: clinical testing. Allele origin: germline. Affected: yes. Study: VKGL Data-share Consensus. Not counted in ClinVar's aggregate classification.

Laboratory of Diagnostic Genome Analysis, Leiden University Medical Center (LUMC)
Classification: Likely benign. Review status: no assertion criteria provided. Collection method: clinical testing. Allele origin: germline. Affected: yes. Study: VKGL Data-share Consensus. Not counted in ClinVar's aggregate classification.

Literature cited by the submitters: PubMed 27068579 (cited by Athena Diagnostics); PubMed 26435059 (cited by Athena Diagnostics).

NM_006005.3(WFS1):c.353A>C (p.Asp118Ala)

Gene: WFS1 (wolframin ER transmembrane glycoprotein; plus strand). Cytogenetic location: 4p16.1.
Variant type: single nucleotide variant.
Coding change: c.353A>C on transcript NM_006005.3 (MANE Select); coding-DNA position 353, A replaced by C.
Protein change: p.Asp118Ala; replaces aspartic acid 118 with alanine.
Molecular consequence: missense variant.
Genome position (GRCh38, 1-based): chr4:6,289,024, A>C. VCF-style: chr4-6289024-A-C. GRCh37 (hg19) VCF-style: chr4-6290751-A-C.
Other names: p.D118A:GAT>GCT; c.353A>C, p.Asp118Ala (NM_001145853.1); short protein forms D118A.
Identifiers: ClinVar variation 178584 (VCV000178584.73), dbSNP rs71524349, ClinGen allele CA295785.